The following is an entry in ClinVar:

ClinVar aggregate classification (germline): Likely benign (1 of 4 stars; one submission).

Submission:

CeGaT Center for Human Genetics Tuebingen
Classification: Likely benign. Last evaluated: 2022-05-01. Review status: criteria provided, single submitter. Criteria: CeGaT Center For Human Genetics Tuebingen Variant Classification Criteria Version 2. Collection method: clinical testing. Allele origin: germline. Affected: yes. Observed: 1 variant allele.
Comment: TTC7A: PM2:Supporting, BP4, BP7

NM_020458.4(TTC7A):c.31C>T (p.Leu11=)

Genes: MCFD2 (multiple coagulation factor deficiency 2, ER cargo receptor complex subunit; minus strand), TTC7A (tetratricopeptide repeat domain 7A; plus strand). Cytogenetic location: 2p21.
Variant type: single nucleotide variant.
Coding change: c.31C>T on transcript NM_020458.4 (MANE Select); coding-DNA position 31, C replaced by T.
Protein change: p.Leu11=; no amino-acid change (leucine 11 retained).
Molecular consequence: synonymous variant. On other transcripts: 5 prime UTR variant (2), missense variant (1), intron variant (1).
Genome position (GRCh38, 1-based): chr2:46,941,572, C>T. VCF-style: chr2-46941572-C-T. GRCh37 (hg19) VCF-style: chr2-47168711-C-T.
Other names: c.31C>T, p.Leu11= (NM_001288951.2); c.-874C>T (NM_001288955.2); c.-7G>A (NM_001171508.2); c.92G>A, p.Arg31Lys (NM_001171511.3); c.83-8791C>T (NM_001288953.2); short protein forms R31K.
Identifiers: ClinVar variation 2650877 (VCV002650877.22), dbSNP rs2466127784, ClinGen allele CA346715563.